The following is an entry in ClinVar:

NM_005458.8(GABBR2):c.2273G>A (p.Arg758Lys)

Gene: GABBR2 (gamma-aminobutyric acid type B receptor subunit 2; minus strand). Cytogenetic location: 9q22.33.
Variant type: single nucleotide variant.
Coding change: c.2273G>A on transcript NM_005458.8 (MANE Select); coding-DNA position 2273, G replaced by A.
Protein change: p.Arg758Lys; replaces arginine 758 with lysine.
Molecular consequence: missense variant.
Genome position (GRCh38, 1-based): chr9:98,303,380, C>T on the plus strand (G>A on the coding strand, the complement: GABBR2 is on the minus strand). VCF-style: chr9-98303380-C-T. GRCh37 (hg19) VCF-style: chr9-101065662-C-T.
Other names: short protein forms R758K.
Identifiers: ClinVar variation 2116591 (VCV002116591.4), dbSNP rs1830500367, ClinGen allele CA374197930.

ClinVar aggregate classification (germline): Uncertain significance (1 of 4 stars; one submission).

Conditions:
Epileptic encephalopathy. Identifiers: MedGen C0543888, HP:0200134.

Allele frequency attached by ClinVar (database versions not stated): gnomAD exomes below 0.00001.
gnomAD v4.1: 2 of 1,614,210 alleles (0.00012%); highest among the groups gnomAD compares: Non-Finnish European, 0.00017%; no homozygotes.

Submission:

Labcorp Genetics (formerly Invitae), Labcorp
Classification: Uncertain significance for Epileptic encephalopathy. Last evaluated: 2022-04-07. Review status: criteria provided, single submitter. Criteria: Invitae Variant Classification Sherloc (09022015). Collection method: clinical testing. Allele origin: germline.
Comment: In summary, the available evidence is currently insufficient to determine the role of this variant in disease. Therefore, it has been classified as a Variant of Uncertain Significance. Algorithms developed to predict the effect of missense changes on protein structure and function output the following: SIFT: "Deleterious"; PolyPhen-2: "Benign"; Align-GVGD: "Class C25". The lysine amino acid residue is found in multiple mammalian species, which suggests that this missense change does not adversely affect protein function. This variant has not been reported in the literature in individuals affected with GABBR2-related conditions. This variant is not present in population databases (gnomAD no frequency). This sequence change replaces arginine, which is basic and polar, with lysine, which is basic and polar, at codon 758 of the GABBR2 protein (p.Arg758Lys).